The following is an entry in ClinVar:

ClinVar aggregate classification (germline): Uncertain significance. Review status: criteria provided, multiple submitters, no conflicts (2 of 4 stars). 2 submissions from 2 submitters: Uncertain significance (2). Last evaluated 2025-04-16.

Conditions:
Hereditary cancer-predisposing syndrome. Also called: Tumor predisposition; Hereditary Cancer Syndrome; Hereditary neoplastic syndrome; Neoplastic Syndromes, Hereditary. Identifiers: Orphanet 140162, MedGen C0027672, MeSH D009386, MONDO:0015356.

Submissions (2):

Ambry Genetics
Classification: Uncertain significance for Hereditary cancer-predisposing syndrome. Last evaluated: 2025-04-16. Review status: criteria provided, single submitter. Criteria: Ambry Variant Classification Scheme 2023. Collection method: clinical testing. Allele origin: germline.
Comment: The c.5016_5018delCTT variant (also known as p.F1673del) is located in coding exon 38 of the POLE gene. This variant results from an in-frame CTT deletion at nucleotide positions 5016 to 5018. This results in the in-frame deletion of a phenylalanine at codon 1673. This amino acid position is well conserved in available vertebrate species. In addition, this alteration is predicted to be deleterious by in silico analysis (Choi Y et al. PLoS ONE. 2012; 7(10):e46688). Based on the available evidence, the clinical significance of this variant remains unclear.

Labcorp Genetics (formerly Invitae), Labcorp
Classification: Uncertain significance. Last evaluated: 2023-01-20. Review status: criteria provided, single submitter. Criteria: Invitae Variant Classification Sherloc (09022015). Collection method: clinical testing. Allele origin: germline.
Comment: This variant, c.5016_5018del, results in the deletion of 1 amino acid(s) of the POLE protein (p.Phe1673del), but otherwise preserves the integrity of the reading frame. In summary, the available evidence is currently insufficient to determine the role of this variant in disease. Therefore, it has been classified as a Variant of Uncertain Significance. Algorithms developed to predict the effect of sequence changes on RNA splicing suggest that this variant may disrupt the consensus splice site. Experimental studies and prediction algorithms are not available or were not evaluated, and the functional significance of this variant is currently unknown. ClinVar contains an entry for this variant (Variation ID: 486093). This variant has not been reported in the literature in individuals affected with POLE-related conditions. This variant is not present in population databases (gnomAD no frequency).

NM_006231.4(POLE):c.5013CTT[1] (p.Phe1673del)

Gene: POLE (DNA polymerase epsilon, catalytic subunit; minus strand). Cytogenetic location: 12q24.33.
Variant type: Microsatellite.
Coding change: c.5013CTT[1] on transcript NM_006231.4 (MANE Select); one copy of the 3-base unit CTT starting at c.5013; the reference has two copies in a row; one copy, 3 bases deleted.
Protein change: p.Phe1673del; deletes phenylalanine 1673.
Molecular consequence: inframe deletion.
Genome position (GRCh38, 1-based): chr12:132,642,332-132,642,334, AAG deleted on the plus strand (CTT on the coding strand, the reverse complement: POLE is on the minus strand); deleting any 3 consecutive bases within chr12:132,642,332-132,642,338 gives the same sequence; the position shown is the placement nearest the transcript's 3' end. VCF-style (leftmost placement, unchanged base first): chr12-132642331-AAAG-A. GRCh37 (hg19) VCF-style: chr12-133218917-AAAG-A.
Other names: c.5016_5018delCTT (NM_006231.3); short protein forms F1673del.
Identifiers: ClinVar variation 486093 (VCV000486093.15), dbSNP rs1555222501, ClinGen allele CA658658213.